The following is an entry in ClinVar:

NM_000548.5(TSC2):c.4839CAT[1] (p.Ile1614del)

Gene: TSC2 (TSC complex subunit 2; plus strand). Cytogenetic location: 16p13.3.
Variant type: Microsatellite.
Coding change: c.4839CAT[1] on transcript NM_000548.5 (MANE Select); one copy of the 3-base unit CAT starting at c.4839; the reference has two copies in a row; one copy, 3 bases deleted; also written c.4842_4844del.
Protein change: p.Ile1614del; deletes isoleucine 1614.
Molecular consequence: inframe deletion.
Genome position (GRCh38, 1-based): chr16:2,086,372-2,086,374, CAT deleted; deleting any 3 consecutive bases within chr16:2,086,369-2,086,374 gives the same sequence; the position shown is the placement nearest the transcript's 3' end. VCF-style (leftmost placement, unchanged base first): chr16-2086368-ACAT-A. GRCh37 (hg19) VCF-style: chr16-2136369-ACAT-A.
Other names: c.4638CAT[1], p.Ile1547del (NM_001077183.3); c.4770CAT[1], p.Ile1591del (NM_001114382.3); c.4530CAT[1], p.Ile1511del (NM_001318827.2); c.4494CAT[1], p.Ile1499del (NM_001318829.2); c.4107CAT[1], p.Ile1370del (NM_001318831.2); c.4671CAT[1], p.Ile1558del (NM_001318832.2); c.4641CAT[1], p.Ile1548del (NM_001363528.2); c.4707CAT[1], p.Ile1570del (NM_001370404.1); and 3 more; short protein forms I1614del, I1511del, I1570del, I1547del, I1591del, I1499del, I1571del, I1370del.
Identifiers: ClinVar variation 49325 (VCV000049325.17), dbSNP rs137854331, ClinGen allele CA021081.

ClinVar aggregate classification (germline): Pathogenic/Likely pathogenic. Review status: criteria provided, multiple submitters, no conflicts (2 of 4 stars). 8 submissions from 8 submitters: Pathogenic (4); Likely pathogenic (1). 3 of the submissions do not count toward it. Last evaluated 2023-02-23.

Conditions:
TSC2-related disorder. Also called: TSC2-Related Disorders; TSC2-related condition.
Tuberous sclerosis syndrome (TSC). Also called: Tuberous Sclerosis Complex; Tuberous sclerosis. Identifiers: Orphanet 805, MedGen C0041341, MONDO:0001734.
Tuberous sclerosis 2 (TSC2). Identifiers: Orphanet 805, MedGen C1860707, MONDO:0013199, OMIM 613254.

Submissions (8):

3billion
Classification: Pathogenic for Tuberous sclerosis 2. Last evaluated: 2023-02-23. Review status: criteria provided, single submitter. Criteria: ACMG Guidelines, 2015. Collection method: clinical testing. Allele origin: unknown. Affected: yes.
Comment: The variant is not observed in the gnomAD v2.1.1 dataset. Inframe deletion located in a nonrepeat region was predicted to change the length of the protein and disrupt normal protein function. The variant has been observed in at least two similarly affected unrelated individuals (PMID: 22748302, 9463313). The variant has been reported at least twice as pathogenic with clinical assertions and evidence for the classification (ClinVar ID: VCV000049325 / PMID: 9463313). Therefore, this variant is classified as Pathogenic according to the recommendation of ACMG/AMP guideline.

Labcorp Genetics (formerly Invitae), Labcorp
Classification: Pathogenic for Tuberous sclerosis 2. Last evaluated: 2022-09-07. Review status: criteria provided, single submitter. Criteria: Invitae Variant Classification Sherloc (09022015). Collection method: clinical testing. Allele origin: germline.
Comment: This variant is not present in population databases (gnomAD no frequency). This variant, c.4842_4844del, results in the deletion of 1 amino acid(s) of the TSC2 protein (p.Ile1614del), but otherwise preserves the integrity of the reading frame. This variant has been observed in individual(s) with tuberous sclerosis complex (PMID: 9463313, 22748302; Invitae). This variant is also known as del (4770-4772); dl Ile 1591. ClinVar contains an entry for this variant (Variation ID: 49325). For these reasons, this variant has been classified as Pathogenic.

Blueprint Genetics
Classification: Likely pathogenic for TSC2-related disorders. Last evaluated: 2022-03-24. Review status: criteria provided, single submitter. Criteria: ACMG Guidelines, 2015. Collection method: clinical testing. Allele origin: germline. Affected: yes. Observed: 2 variant alleles.

GeneDx
Classification: Pathogenic. Last evaluated: 2020-06-10. Review status: criteria provided, single submitter. Criteria: GeneDx Variant Classification Process June 2021. Collection method: clinical testing. Allele origin: germline. Affected: yes.
Comment: In silico analysis, which includes protein predictors and evolutionary conservation, supports a deleterious effect; Not observed in large population cohorts (Lek et al., 2016); In-frame deletion of 1 amino acids in a non-repeat region; This variant is associated with the following publications: (PMID: 17304050, 22867869, 25782670, 22748302, 9463313)

Athena Diagnostics
Classification: Pathogenic. Last evaluated: 2019-12-04. Review status: criteria provided, single submitter. Criteria: Athena Diagnostics Criteria. Collection method: clinical testing. Allele origin: unknown.
Comment: Not found in the total gnomAD dataset, and the data is high quality. Located in potentially critical domain of the protein. Found in multiple individuals with expected phenotype for this gene. 3 de novo cases with parental identity not confirmed.

Clinical Genetics DNA and cytogenetics Diagnostics Lab, Erasmus MC, Erasmus Medical Center
Classification: Pathogenic. Review status: no assertion criteria provided. Collection method: clinical testing. Allele origin: germline. Affected: yes. Study: VKGL Data-share Consensus. Not counted in ClinVar's aggregate classification.

Diagnostic Laboratory, Department of Genetics, University Medical Center Groningen
Classification: Pathogenic. Review status: no assertion criteria provided. Collection method: clinical testing. Allele origin: germline. Affected: yes. Study: VKGL Data-share Consensus. Not counted in ClinVar's aggregate classification.

Tuberous sclerosis database (TSC2)
No classification provided. Condition: TSC. Review status: no classification provided. Criteria: Tuberous Sclerosis Database Assertion Criteria 2015. Collection method: curation. Allele origin: germline. Affected: yes. Not counted in ClinVar's aggregate classification.

Literature cited by the submitters: PubMed 22748302 (cited by 3billion and Labcorp Genetics (formerly Invitae), Labcorp); PubMed 9463313 (cited by 3 submitters); PubMed 48 (cited by Athena Diagnostics); PubMed 22867869 (cited by Athena Diagnostics); PubMed 17304050 (cited by Athena Diagnostics).